The following is an entry in ClinVar:

NM_000492.4(CFTR):c.1210-307GT[10]

Genes: CFTR-AS1 (CFTR antisense RNA 1; minus strand), CFTR (CF transmembrane conductance regulator; plus strand). Cytogenetic location: 7q31.2.
Variant type: Microsatellite.
Coding change: c.1210-307GT[10] on transcript NM_000492.4 (MANE Select); ten copies in a row of the 2-base unit GT starting at c.1210-307; the reference has 16 copies in a row; six copies, 12 bases deleted.
Molecular consequence: intron variant.
Genome position (GRCh38, 1-based): chr7:117,548,354-117,548,365, GTGTGTGTGTGT deleted; deleting any 12 consecutive bases within chr7:117,548,334-117,548,365 gives the same sequence; the position shown is the placement nearest the transcript's 3' end. VCF-style (leftmost placement, unchanged base first): chr7-117548333-GGTGTGTGTGTGT-G. GRCh37 (hg19) VCF-style: chr7-117188387-GGTGTGTGTGTGT-G.
Identifiers: ClinVar variation 4280025 (VCV004280025.1).

ClinVar aggregate classification (germline): Uncertain significance (1 of 4 stars; one submission).

Conditions:
Cystic fibrosis (CF). Also called: MUCOVISCIDOSIS. Identifiers: Orphanet 586, MedGen C0010674, MONDO:0009061, OMIM 219700. Disease mechanism: loss of function.

Submission:

Johns Hopkins Genomics, Johns Hopkins University
Classification: Uncertain significance for Cystic fibrosis. Last evaluated: 2024-02-29. Review status: criteria provided, single submitter. Criteria: ACMG Guidelines, 2015. Collection method: clinical testing. Allele origin: germline.
Comment: PM2, BP4